The following is an entry in ClinVar:

NM_002878.4(RAD51D):c.471G>C (p.Glu157Asp)

Genes: RAD51L3-RFFL (RAD51L3-RFFL readthrough; minus strand), RAD51D (RAD51 paralog D; minus strand). Cytogenetic location: 17q12.
Variant type: single nucleotide variant.
Coding change: c.471G>C on transcript NM_002878.4 (MANE Select); coding-DNA position 471, G replaced by C.
Protein change: p.Glu157Asp; replaces glutamic acid 157 with aspartic acid.
Molecular consequence: missense variant. On other transcripts: non-coding transcript variant (1), intron variant (1).
Genome position (GRCh38, 1-based): chr17:35,106,997, C>G on the plus strand (G>C on the coding strand, the complement: RAD51D is on the minus strand). VCF-style: chr17-35106997-C-G. GRCh37 (hg19) VCF-style: chr17-33434016-C-G.
Other names: c.531G>C, p.Glu177Asp (NM_001142571.2); c.145-516G>C (NM_133629.3); short protein forms E157D, E177D.
Identifiers: ClinVar variation 490142 (VCV000490142.12), dbSNP rs55942401, ClinGen allele CA289996357.

ClinVar aggregate classification (germline): Uncertain significance. Review status: criteria provided, multiple submitters, no conflicts (2 of 4 stars). 5 submissions from 5 submitters: Uncertain significance (5). Last evaluated 2024-08-24.

Conditions:
Hereditary cancer-predisposing syndrome. Also called: Hereditary Cancer Syndrome; Neoplastic Syndromes, Hereditary; Tumor predisposition; Hereditary neoplastic syndrome. Identifiers: Orphanet 140162, MedGen C0027672, MeSH D009386, MONDO:0015356.
Breast-ovarian cancer, familial, susceptibility to, 4. Identifiers: Orphanet 145, MedGen C3280345, MONDO:0013669, OMIM 614291.

Allele frequency attached by ClinVar (database versions not stated): gnomAD exomes below 0.00001.
gnomAD v4.1: 2 of 1,614,198 alleles (0.00012%); highest among the groups gnomAD compares: South Asian, 0.0022%; no homozygotes.

Submissions (5):

Ambry Genetics
Classification: Uncertain significance for Hereditary cancer-predisposing syndrome. Last evaluated: 2024-08-24. Review status: criteria provided, single submitter. Criteria: Ambry Variant Classification Scheme 2023. Collection method: clinical testing. Allele origin: germline.
Comment: The p.E157D variant (also known as c.471G>C), located in coding exon 5 of the RAD51D gene, results from a G to C substitution at nucleotide position 471. The glutamic acid at codon 157 is replaced by aspartic acid, an amino acid with highly similar properties. This amino acid position is highly conserved in available vertebrate species. In addition, the in silico prediction for this alteration is inconclusive. Since supporting evidence is limited at this time, the clinical significance of this alteration remains unclear.

Labcorp Genetics (formerly Invitae), Labcorp
Classification: Uncertain significance for Breast-ovarian cancer, familial, susceptibility to, 4. Last evaluated: 2024-07-11. Review status: criteria provided, single submitter. Criteria: Invitae Variant Classification Sherloc (09022015). Collection method: clinical testing. Allele origin: germline.
Comment: This sequence change replaces glutamic acid, which is acidic and polar, with aspartic acid, which is acidic and polar, at codon 157 of the RAD51D protein (p.Glu157Asp). This variant is not present in population databases (gnomAD no frequency). This variant has not been reported in the literature in individuals affected with RAD51D-related conditions. ClinVar contains an entry for this variant (Variation ID: 490142). An algorithm developed to predict the effect of missense changes on protein structure and function (PolyPhen-2) suggests that this variant is likely to be disruptive. In summary, the available evidence is currently insufficient to determine the role of this variant in disease. Therefore, it has been classified as a Variant of Uncertain Significance.

Quest Diagnostics Nichols Institute San Juan Capistrano
Classification: Uncertain significance. Last evaluated: 2023-09-07. Review status: criteria provided, single submitter. Criteria: Quest Diagnostics criteria. Collection method: clinical testing. Allele origin: unknown.
Comment: In a large case-control study, this variant has been reported in individuals with breast cancer and not in unaffected controls (PMID: 33471991 (2021), see also LOVD. This variant has not been reported in large, multi-ethnic general populations (Genome Aggregation Database). Analysis of this variant using bioinformatics tools for the prediction of the effect of amino acid changes on protein structure and function yielded conflicting predictions that this variant is benign or damaging. Based on the available information, we are unable to determine the clinical significance of this variant.

Color Diagnostics, LLC DBA Color Health
Classification: Uncertain significance for Hereditary cancer-predisposing syndrome. Last evaluated: 2019-04-03. Review status: criteria provided, single submitter. Criteria: ACMG Guidelines, 2015. Collection method: clinical testing. Allele origin: germline.

Women's Health and Genetics/Laboratory Corporation of America, LabCorp
Classification: Uncertain significance. Last evaluated: 2017-03-13. Review status: criteria provided, single submitter. Criteria: LabCorp Variant Classification Summary - May 2015. Collection method: clinical testing. Allele origin: germline.
Comment: Variant summary: The RAD51D c.471G>C (p.Glu157Asp) variant involves the alteration of a non-conserved nucleotide. 2/4 in silico tools predict a benign outcome for this variant (SNPs&GO not captured due to low reliability index). This variant is absent in 121410 control chromosomes. The variant of interest has not, to our knowledge, been reported in affected individuals via publications and/or reputable databases/clinical diagnostic laboratories; nor evaluated for functional impact by in vivo/vitro studies. Because of the absence of clinical information and the lack of functional studies, the variant is classified as a variant of uncertain significance (VUS) until additional information becomes available.

Literature cited by the submitters: PubMed 33471991 (cited by Quest Diagnostics Nichols Institute San Juan Capistrano); PubMed 24784581 (cited by Women's Health and Genetics/Laboratory Corporation of America, LabCorp).